The following is an entry in ClinVar:

NM_001329943.3(KIAA0586):c.1656+4T>C

Gene: KIAA0586 (KIAA0586; plus strand). Cytogenetic location: 14q23.1.
Variant type: single nucleotide variant.
Coding change: c.1656+4T>C on transcript NM_001329943.3 (MANE Select); 4 bases into the intron after coding-DNA position 1656, T replaced by C.
Molecular consequence: intron variant.
Genome position (GRCh38, 1-based): chr14:58,458,549, T>C. VCF-style: chr14-58458549-T-C. GRCh37 (hg19) VCF-style: chr14-58925267-T-C.
Other names: c.1815+4T>C (NM_001244189.2, NM_001244189.1); c.1611+4T>C (NM_001244190.2); c.1524+4T>C (NM_001244192.2); c.1401+4T>C (NM_001244191.2, NM_001364701.2, NM_001329945.2 and 1 more transcripts); c.1656+4T>C (NM_001329944.2, NM_001329946.2, NM_001329947.2 and 1 more transcripts); c.1236+4T>C (NM_001244193.2).
Identifiers: ClinVar variation 1603712 (VCV001603712.11), dbSNP rs368165741, ClinGen allele CA7205705.

ClinVar aggregate classification (germline): Likely benign. Review status: criteria provided, multiple submitters, no conflicts (2 of 4 stars). 3 submissions from 3 submitters: Likely benign (2). 1 of the submissions does not count toward it. Last evaluated 2026-01-05.

Conditions:
KIAA0586-related disorder. Also called: KIAA0586-related condition; KIAA0586- Related disorders.
Short-rib thoracic dysplasia 14 with polydactyly (SRTD14). Identifiers: Orphanet 397715, MedGen C4225286, MONDO:0014688, OMIM 616546.
Joubert syndrome 23 (JBTS23). Identifiers: Orphanet 475, MedGen C4084822, MONDO:0014664, OMIM 616490.

Allele frequency attached by ClinVar (database versions not stated): gnomAD 0.00003 and 0.00005; gnomAD exomes 0.00003 and 0.00020; TOPMed 0.00006; ExAC 0.00009; 1000 Genomes Project 30x 0.00031; 1000 Genomes Project 0.00040.
gnomAD v4.1: 59 of 1,510,016 alleles (0.0039%); highest among the groups gnomAD compares: East Asian, 0.11%; no homozygotes.

Submissions (3):

Labcorp Genetics (formerly Invitae), Labcorp
Classification: Likely benign for Joubert syndrome 23; Short-rib thoracic dysplasia 14 with polydactyly. Last evaluated: 2026-01-05. Review status: criteria provided, single submitter. Criteria: Invitae Variant Classification Sherloc (09022015). Collection method: clinical testing. Allele origin: germline.

Blueprint Genetics
Classification: Likely benign. Last evaluated: 2024-07-26. Review status: criteria provided, single submitter. Criteria: ACMG Guidelines, 2015. Collection method: clinical testing. Allele origin: germline.

PreventionGenetics, part of Exact Sciences
Classification: Likely benign for KIAA0586-related condition. Last evaluated: 2019-06-17. Review status: no assertion criteria provided. Collection method: clinical testing. Allele origin: germline. Not counted in ClinVar's aggregate classification.
Comment: This variant is classified as likely benign based on ACMG/AMP sequence variant interpretation guidelines (Richards et al. 2015 PMID: 25741868, with internal and published modifications).